The following is an entry in ClinVar:

NM_006231.4(POLE):c.4904A>G (p.His1635Arg)

Gene: POLE (DNA polymerase epsilon, catalytic subunit; minus strand). Cytogenetic location: 12q24.33.
Variant type: single nucleotide variant.
Coding change: c.4904A>G on transcript NM_006231.4 (MANE Select); coding-DNA position 4904, A replaced by G.
Protein change: p.His1635Arg; replaces histidine 1635 with arginine.
Molecular consequence: missense variant.
Genome position (GRCh38, 1-based): chr12:132,642,554, T>C on the plus strand (A>G on the coding strand, the complement: POLE is on the minus strand). VCF-style: chr12-132642554-T-C. GRCh37 (hg19) VCF-style: chr12-133219140-T-C.
Other names: short protein forms H1635R.
Identifiers: ClinVar variation 4798990 (VCV004798990.1).

ClinVar aggregate classification (germline): Uncertain significance (1 of 4 stars; one submission).

gnomAD v4.1: 2 of 1,613,606 alleles (0.00012%); highest among the groups gnomAD compares: South Asian, 0.0022%; no homozygotes.

Submission:

Labcorp Genetics (formerly Invitae), Labcorp
Classification: Uncertain significance. Last evaluated: 2025-10-14. Review status: criteria provided, single submitter. Criteria: Invitae Variant Classification Sherloc (09022015). Collection method: clinical testing. Allele origin: germline.
Comment: This sequence change replaces histidine, which is basic and polar, with arginine, which is basic and polar, at codon 1635 of the POLE protein (p.His1635Arg). This variant is present in population databases (rs777021351, gnomAD 0.003%). This variant has not been reported in the literature in individuals affected with POLE-related conditions. Invitae Evidence Modeling of protein sequence and biophysical properties (such as structural, functional, and spatial information, amino acid conservation, physicochemical variation, residue mobility, and thermodynamic stability) indicates that this missense variant is not expected to disrupt POLE protein function with a negative predictive value of 80%. In summary, the available evidence is currently insufficient to determine the role of this variant in disease. Therefore, it has been classified as a Variant of Uncertain Significance.